The following is an entry in ClinVar:

NM_022124.6(CDH23):c.8774C>T (p.Pro2925Leu)

Gene: CDH23 (cadherin related 23; plus strand). Cytogenetic location: 10q22.1.
Variant type: single nucleotide variant.
Coding change: c.8774C>T on transcript NM_022124.6 (MANE Select); coding-DNA position 8774, C replaced by T.
Protein change: p.Pro2925Leu; replaces proline 2925 with leucine.
Molecular consequence: missense variant.
Genome position (GRCh38, 1-based): chr10:71,809,871, C>T. VCF-style: chr10-71809871-C-T. GRCh37 (hg19) VCF-style: chr10-73569628-C-T.
Other names: c.2054C>T, p.Pro685Leu (NM_001171933.1, NM_001171934.1); c.8774C>T (NM_022124.5); short protein forms P2925L, P685L.
Identifiers: ClinVar variation 1412938 (VCV001412938.4), dbSNP rs763128745, ClinGen allele CA5546750.

ClinVar aggregate classification (germline): Uncertain significance. Review status: criteria provided, multiple submitters, no conflicts (2 of 4 stars). 2 submissions from 2 submitters: Uncertain significance (2). Last evaluated 2023-07-05.

Conditions:
Inborn genetic diseases. Identifiers: MedGen C0950123, MeSH D030342.

Allele frequency attached by ClinVar (database versions not stated): gnomAD exomes 0.00001 and 0.00002; ExAC 0.00002.
gnomAD v4.1: 13 of 1,613,468 alleles (0.00081%); highest among the groups gnomAD compares: Non-Finnish European, 0.001%; no homozygotes.

Submissions (2):

Ambry Genetics
Classification: Uncertain significance for Inborn genetic diseases. Last evaluated: 2023-07-05. Review status: criteria provided, single submitter. Criteria: Ambry Variant Classification Scheme 2023. Collection method: clinical testing. Allele origin: germline.

Labcorp Genetics (formerly Invitae), Labcorp
Classification: Uncertain significance. Last evaluated: 2021-10-18. Review status: criteria provided, single submitter. Criteria: Invitae Variant Classification Sherloc (09022015). Collection method: clinical testing. Allele origin: germline.
Comment: This sequence change replaces proline with leucine at codon 2925 of the CDH23 protein (p.Pro2925Leu). The proline residue is highly conserved and there is a moderate physicochemical difference between proline and leucine. This variant is present in population databases (rs763128745, ExAC 0.003%). This variant has not been reported in the literature in individuals with CDH23-related conditions. Algorithms developed to predict the effect of missense changes on protein structure and function are either unavailable or do not agree on the potential impact of this missense change (SIFT: "Deleterious"; PolyPhen-2: "Not Available"; Align-GVGD: "Class C0"). In summary, the available evidence is currently insufficient to determine the role of this variant in disease. Therefore, it has been classified as a Variant of Uncertain Significance.